The following is an entry in ClinVar:

NM_000038.6(APC):c.7999A>T (p.Asn2667Tyr)

Gene: APC (APC regulator of Wnt signaling pathway; plus strand). Cytogenetic location: 5q22.2.
Variant type: single nucleotide variant.
Coding change: c.7999A>T on transcript NM_000038.6 (MANE Select); coding-DNA position 7999, A replaced by T.
Protein change: p.Asn2667Tyr; replaces asparagine 2667 with tyrosine.
Molecular consequence: missense variant.
Genome position (GRCh38, 1-based): chr5:112,843,593, A>T. VCF-style: chr5-112843593-A-T. GRCh37 (hg19) VCF-style: chr5-112179290-A-T.
Other names: c.7999A>T, p.Asn2667Tyr (NM_001127510.3, NM_001354895.2, NM_001407450.1); c.7945A>T, p.Asn2649Tyr (NM_001127511.3); c.8053A>T, p.Asn2685Tyr (NM_001354896.2, NM_001407447.1, NM_001407448.1 and 1 more transcripts); c.8029A>T, p.Asn2677Tyr (NM_001354897.2); c.7924A>T, p.Asn2642Tyr (NM_001354898.2); c.7915A>T, p.Asn2639Tyr (NM_001354899.2); c.7876A>T, p.Asn2626Tyr (NM_001354900.2); c.7822A>T, p.Asn2608Tyr (NM_001354901.2, NM_001407453.1); and 11 more; short protein forms N2584Y, N2695Y, N2384Y, N2538Y, N2566Y, N2576Y, N2660Y, N2507Y.
Identifiers: ClinVar variation 1761533 (VCV001761533.2), dbSNP rs2149997676, ClinGen allele CA16038708.

ClinVar aggregate classification (germline): Uncertain significance (1 of 4 stars; one submission).

Conditions:
Hereditary cancer-predisposing syndrome. Also called: Neoplastic Syndromes, Hereditary; Tumor predisposition; Hereditary Cancer Syndrome; Hereditary neoplastic syndrome. Identifiers: Orphanet 140162, MedGen C0027672, MeSH D009386, MONDO:0015356.

Submission:

Ambry Genetics
Classification: Uncertain significance for Hereditary cancer-predisposing syndrome. Last evaluated: 2022-05-16. Review status: criteria provided, single submitter. Criteria: Ambry Variant Classification Scheme 2023. Collection method: clinical testing. Allele origin: germline.
Comment: The p.N2667Y variant (also known as c.7999A>T), located in coding exon 15 of the APC gene, results from an A to T substitution at nucleotide position 7999. The asparagine at codon 2667 is replaced by tyrosine, an amino acid with dissimilar properties. This amino acid position is conserved. In addition, in silico predictors for this gene do not accurately predict pathogenicity. Since supporting evidence is limited at this time, the clinical significance of this alteration remains unclear.